The following is an entry in ClinVar:

ClinVar aggregate classification (germline): Uncertain significance (1 of 4 stars; one submission).

Conditions:
Hereditary cancer-predisposing syndrome. Also called: Neoplastic Syndromes, Hereditary; Hereditary Cancer Syndrome; Tumor predisposition; Hereditary neoplastic syndrome. Identifiers: Orphanet 140162, MedGen C0027672, MeSH D009386, MONDO:0015356.

Submission:

Ambry Genetics
Classification: Uncertain significance for Hereditary cancer-predisposing syndrome. Last evaluated: 2025-01-24. Review status: criteria provided, single submitter. Criteria: Ambry Variant Classification Scheme 2023. Collection method: clinical testing. Allele origin: germline.
Comment: The p.M806I variant (also known as c.2418G>A), located in coding exon 17 of the TSC1 gene, results from a G to A substitution at nucleotide position 2418. The methionine at codon 806 is replaced by isoleucine, an amino acid with highly similar properties. This amino acid position is well conserved in available vertebrate species. In addition, this alteration is predicted to be tolerated by in silico analysis. Based on the available evidence, the clinical significance of this variant remains unclear.

NM_000368.5(TSC1):c.2418G>A (p.Met806Ile)

Gene: TSC1 (TSC complex subunit 1; minus strand). Cytogenetic location: 9q34.13.
Variant type: single nucleotide variant.
Coding change: c.2418G>A on transcript NM_000368.5 (MANE Select); coding-DNA position 2418, G replaced by A.
Protein change: p.Met806Ile; replaces methionine 806 with isoleucine.
Molecular consequence: missense variant. On other transcripts: non-coding transcript variant (5).
Genome position (GRCh38, 1-based): chr9:132,901,673, C>T on the plus strand (G>A on the coding strand, the complement: TSC1 is on the minus strand). VCF-style: chr9-132901673-C-T. GRCh37 (hg19) VCF-style: chr9-135777060-C-T.
Other names: c.2415G>A, p.Met805Ile (NM_001162426.2, NM_001406597.1, NM_001406598.1 and 4 more transcripts); c.2265G>A, p.Met755Ile (NM_001162427.2, NM_001406610.1); c.2055G>A, p.Met685Ile (NM_001362177.2, NM_001406614.1, NM_001406615.1 and 5 more transcripts); c.2418G>A, p.Met806Ile (NM_001406595.1, NM_001406592.1, NM_001406593.1 and 5 more transcripts); c.2403G>A, p.Met801Ile (NM_001406601.1, NM_001406602.1); c.2400G>A, p.Met800Ile (NM_001406603.1, NM_001406604.1); c.2262G>A, p.Met754Ile (NM_001406611.1, NM_001406612.1, NM_001406613.1); c.2052G>A, p.Met684Ile (NM_001406620.1, NM_001406621.1, NM_001406622.1 and 2 more transcripts); and 3 more; short protein forms M488I, M806I, M805I, M455I, M489I, M800I, M801I, M684I.
Identifiers: ClinVar variation 3811237 (VCV003811237.1).